The following is an entry in ClinVar:

ClinVar aggregate classification (germline): Uncertain significance (1 of 4 stars; one submission).

Conditions:
Neurodevelopmental disorder with or without seizures and gait abnormalities. Identifiers: MedGen C4693391, MONDO:0060641, OMIM 617864.

Submission:

Laboratorio de Genetica e Diagnostico Molecular, Hospital Israelita Albert Einstein
Classification: Uncertain significance for Neurodevelopmental disorder with or without seizures and gait abnormalities. Last evaluated: 2021-11-16. Review status: criteria provided, single submitter. Criteria: ACMG Guidelines, 2015. Collection method: clinical testing. Allele origin: germline. Affected: yes.
Comment: ACMG classification criteria: PM2 moderate, PP2 supporting, BP4 supporting

NM_000829.4(GRIA4):c.2633G>T (p.Cys878Phe)

Gene: GRIA4 (glutamate ionotropic receptor AMPA type subunit 4; plus strand). Cytogenetic location: 11q22.3.
Variant type: single nucleotide variant.
Coding change: c.2633G>T on transcript NM_000829.4 (MANE Select); coding-DNA position 2633, G replaced by T.
Protein change: p.Cys878Phe; replaces cysteine 878 with phenylalanine.
Molecular consequence: missense variant. On other transcripts: 3 prime UTR variant (1), non-coding transcript variant (1).
Genome position (GRCh38, 1-based): chr11:105,979,663, G>T. VCF-style: chr11-105979663-G-T. GRCh37 (hg19) VCF-style: chr11-105850390-G-T.
Other names: c.*91G>T (NM_001077243.3); short protein forms C878F.
Identifiers: ClinVar variation 1683515 (VCV001683515.2), dbSNP rs1485649590, ClinGen allele CA382305417.
Genomic context (GRCh38, chr11:105,979,663, plus strand): 5'-AAGCCAGATTATCCATCACTGGGAGTGTGGGAGAGAATGGCCGCGTCTTGACGCCTGACT[G>T]CCCAAAGGCTGTACACACTGGAACTGCAATCAGACAAAGTTCAGGATTGGCTGTCATTGC-3'
Protein context (NP_000820.4, residues 868-888): GENGRVLTPD[Cys878Phe]PKAVHTGTAI